The following is an entry in ClinVar:

NM_015450.3(POT1):c.155A>G (p.Gln52Arg)

Gene: POT1 (protection of telomeres 1; minus strand). Cytogenetic location: 7q31.33.
Variant type: single nucleotide variant.
Coding change: c.155A>G on transcript NM_015450.3 (MANE Select); coding-DNA position 155, A replaced by G.
Protein change: p.Gln52Arg; replaces glutamine 52 with arginine.
Molecular consequence: missense variant. On other transcripts: non-coding transcript variant (3), intron variant (1).
Genome position (GRCh38, 1-based): chr7:124,871,011, T>C on the plus strand (A>G on the coding strand, the complement: POT1 is on the minus strand). VCF-style: chr7-124871011-T-C. GRCh37 (hg19) VCF-style: chr7-124511065-T-C.
Other names: c.155A>G (NM_015450.2); c.-138-7371A>G (NM_001042594.2); short protein forms Q52R.
Identifiers: ClinVar variation 1041249 (VCV001041249.9), dbSNP rs1795854850, ClinGen allele CA369061636.
Genomic context (GRCh38, chr7:124,871,011, plus strand): 5'-ATTATTGGAAGGGCTTCATAGTTTCCACTAAAGAGCAGGCAAGTTAGTTTTACATTTGTC[T>C]GGTCCACAATAGTTACAACTGAGCAATAATCTGGAAAACACAAAAATATTTTACCTGACT-3'
Protein context (NP_056265.2, residues 42-62): DYCSVVTIVD[Gln52Arg]TNVKLTCLLF

ClinVar aggregate classification (germline): Uncertain significance. Review status: criteria provided, multiple submitters, no conflicts (2 of 4 stars). 2 submissions from 2 submitters: Uncertain significance (2). Last evaluated 2026-06-03.

Conditions:
Tumor predisposition syndrome 3 (TPDS3). Also called: Melanoma, cutaneous malignant, susceptibility to, 10; Glioma susceptibility 9; LONG TELOMERE SYNDROME, POT1-RELATED; POT1 Tumor Predisposition. Identifiers: Orphanet 618, MedGen C4014476, MONDO:0014368, OMIM 615848.
Hereditary cancer-predisposing syndrome. Also called: Hereditary neoplastic syndrome; Neoplastic Syndromes, Hereditary; Tumor predisposition; Hereditary Cancer Syndrome. Identifiers: Orphanet 140162, MedGen C0027672, MeSH D009386, MONDO:0015356.

Submissions (2):

Ambry Genetics
Classification: Uncertain significance for Hereditary cancer-predisposing syndrome. Last evaluated: 2026-06-03. Review status: criteria provided, single submitter. Criteria: Ambry Variant Classification Scheme 2023. Collection method: clinical testing. Allele origin: germline.
Comment: The p.Q52R variant (also known as c.155A>G), located in coding exon 3 of the POT1 gene, results from an A to G substitution at nucleotide position 155. The glutamine at codon 52 is replaced by arginine, an amino acid with highly similar properties. This amino acid position is conserved. In addition, this alteration is predicted to be tolerated by in silico analysis. Based on the available evidence, the clinical significance of this variant remains unclear.

Labcorp Genetics (formerly Invitae), Labcorp
Classification: Uncertain significance for Tumor predisposition syndrome 3. Last evaluated: 2021-09-15. Review status: criteria provided, single submitter. Criteria: Invitae Variant Classification Sherloc (09022015). Collection method: clinical testing. Allele origin: germline.
Comment: This variant is not present in population databases (ExAC no frequency). This variant has not been reported in the literature in individuals affected with POT1-related conditions. Algorithms developed to predict the effect of missense changes on protein structure and function (SIFT, PolyPhen-2, Align-GVGD) all suggest that this variant is likely to be tolerated. In summary, the available evidence is currently insufficient to determine the role of this variant in disease. Therefore, it has been classified as a Variant of Uncertain Significance. This sequence change replaces glutamine with arginine at codon 52 of the POT1 protein (p.Gln52Arg). The glutamine residue is highly conserved and there is a small physicochemical difference between glutamine and arginine.